The following is an entry in ClinVar:

NM_152703.5(SAMD9L):c.3379T>C (p.Tyr1127His)

Gene: SAMD9L (sterile alpha motif domain containing 9 like; minus strand). Cytogenetic location: 7q21.2.
Variant type: single nucleotide variant.
Coding change: c.3379T>C on transcript NM_152703.5 (MANE Select); coding-DNA position 3379, T replaced by C.
Protein change: p.Tyr1127His; replaces tyrosine 1127 with histidine.
Molecular consequence: missense variant.
Genome position (GRCh38, 1-based): chr7:93,132,593, A>G on the plus strand (T>C on the coding strand, the complement: SAMD9L is on the minus strand). VCF-style: chr7-93132593-A-G. GRCh37 (hg19) VCF-style: chr7-92761906-A-G.
Other names: c.3379T>C (NM_152703.2); c.3379T>C, p.Tyr1127His (NM_001303496.3, NM_001303497.3, NM_001303498.3 and 5 more transcripts); short protein forms Y1127H.
Identifiers: ClinVar variation 2747949 (VCV002747949.4), dbSNP rs2535412838, ClinGen allele CA368182983.
Genomic context (GRCh38, chr7:93,132,593, plus strand): 5'-TAACAGTAATGCTCCTACAGTTTTTGTTCCCATCCAACCACCATTTGATTTCACTTTTGT[A>G]GACTTGACCTAGTGTATCTGAAATATAGGAATTTTTAGGTGCTTTCATTTTGGCCTGACG-3'
Protein context (NP_689916.2, residues 1117-1137): SYISDTLGQV[Tyr1127His]KSEIKWWLDG

ClinVar aggregate classification (germline): Uncertain significance. Review status: criteria provided, multiple submitters, no conflicts (2 of 4 stars). 2 submissions from 2 submitters: Uncertain significance (2). Last evaluated 2025-09-28.

Conditions:
Inborn genetic diseases. Identifiers: MedGen C0950123, MeSH D030342.

Allele frequency attached by ClinVar (database versions not stated): gnomAD exomes below 0.00001.

Submissions (2):

Ambry Genetics
Classification: Uncertain significance for Inborn genetic diseases. Last evaluated: 2025-09-28. Review status: criteria provided, single submitter. Criteria: Ambry Variant Classification Scheme 2023. Collection method: clinical testing. Allele origin: germline.
Comment: The p.Y1127H variant (also known as c.3379T>C), located in coding exon 1 of the SAMD9L gene, results from a T to C substitution at nucleotide position 3379. The tyrosine at codon 1127 is replaced by histidine, an amino acid with similar properties. This amino acid position is conserved. In addition, this alteration is predicted to be tolerated by in silico analysis. Based on the available evidence, the clinical significance of this variant remains unclear.

Labcorp Genetics (formerly Invitae), Labcorp
Classification: Uncertain significance. Last evaluated: 2023-07-28. Review status: criteria provided, single submitter. Criteria: Invitae Variant Classification Sherloc (09022015). Collection method: clinical testing. Allele origin: germline.
Comment: In summary, the available evidence is currently insufficient to determine the role of this variant in disease. Therefore, it has been classified as a Variant of Uncertain Significance. Advanced modeling of protein sequence and biophysical properties (such as structural, functional, and spatial information, amino acid conservation, physicochemical variation, residue mobility, and thermodynamic stability) performed at Invitae indicates that this missense variant is not expected to disrupt SAMD9L protein function. This variant has not been reported in the literature in individuals affected with SAMD9L-related conditions. This variant is not present in population databases (gnomAD no frequency). This sequence change replaces tyrosine, which is neutral and polar, with histidine, which is basic and polar, at codon 1127 of the SAMD9L protein (p.Tyr1127His).